The following is an entry in ClinVar:

ClinVar aggregate classification (germline): Benign (1 of 4 stars; one submission).

Submission:

GeneDx
Classification: Benign. Last evaluated: 2018-06-14. Review status: criteria provided, single submitter. Criteria: GeneDx Variant Classification (06012015). Collection method: clinical testing. Allele origin: germline. Affected: yes.
Comment: This variant is considered likely benign or benign based on one or more of the following criteria: it is a conservative change, it occurs at a poorly conserved position in the protein, it is predicted to be benign by multiple in silico algorithms, and/or has population frequency not consistent with disease.

NM_001851.6(COL9A1):c.1029+170del

Gene: COL9A1 (collagen type IX alpha 1 chain; minus strand). Cytogenetic location: 6q13.
Variant type: Deletion.
Coding change: c.1029+170del on transcript NM_001851.6 (MANE Select); 170 bases into the intron after coding-DNA position 1029, one base deleted (A; older notation c.1029+170delA).
Molecular consequence: intron variant.
Genome position (GRCh38, 1-based): chr6:70,274,549, T deleted on the plus strand (A on the coding strand, the reverse complement: COL9A1 is on the minus strand); the first of 5 consecutive T bases (chr6:70,274,549-70,274,553); deleting any one gives the same sequence. VCF-style (leftmost placement, unchanged base first): chr6-70274548-CT-C. GRCh37 (hg19) VCF-style: chr6-70984251-CT-C.
Other names: c.300+170del (NM_001377290.1, NM_078485.4, NM_001377289.1).
Identifiers: ClinVar variation 678720 (VCV000678720.1), dbSNP rs201080821, ClinGen allele CA140818170.
Genomic context (GRCh38, chr6:70,274,548, plus strand): 5'-TTGCTGAAAATAATGGCTTCCAGCTCCATCCACGTCCCTGCAAAGGACATGATCTTGTTC[CT>C]TTTTATGGCTGCATAGTATTCCACATCATGGTGTTTTTAAACACAATTTTAGTTGAACGA-3'